The following is an entry in ClinVar:

NM_001355436.2(SPTB):c.5994G>A (p.Trp1998Ter)

Gene: SPTB (spectrin beta, erythrocytic; minus strand). Cytogenetic location: 14q23.3.
Variant type: single nucleotide variant.
Coding change: c.5994G>A on transcript NM_001355436.2 (MANE Select); coding-DNA position 5994, G replaced by A.
Protein change: p.Trp1998Ter; replaces tryptophan 1998 with a stop codon.
Molecular consequence: nonsense.
Genome position (GRCh38, 1-based): chr14:64,769,062, C>T on the plus strand (G>A on the coding strand, the complement: SPTB is on the minus strand). VCF-style: chr14-64769062-C-T. GRCh37 (hg19) VCF-style: chr14-65235780-C-T.
Other names: p.Trp1998*; c.5994G>A, p.Trp1998Ter (NM_001024858.4, NM_001355437.2); short protein forms W1998*.
Identifiers: ClinVar variation 1705960 (VCV001705960.6), dbSNP rs2503038400, ClinGen allele CA390039667.
Genomic context (GRCh38, chr14:64,769,062, plus strand): 5'-CCCCTGGGCCCTGGCTCCAGGGCTGTACTCACACATGCGGAGCCGCTCCCAGCGGGCTTC[C>T]CACTTCTCATTCATCTCTTTCCTCCTGGACATCACCTGCTGCAGTTTCTCGCGGATCTAT-3'

ClinVar aggregate classification (germline): Likely pathogenic. Review status: criteria provided, multiple submitters, no conflicts (2 of 4 stars). 2 submissions from 2 submitters: Likely pathogenic (2). Last evaluated 2025-04-30.

Submissions (2):

ARUP Laboratories, Molecular Genetics and Genomics, ARUP Laboratories
Classification: Likely pathogenic. Last evaluated: 2025-04-30. Review status: criteria provided, single submitter. Criteria: ARUP Molecular Germline Variant Investigation Process 2024. Collection method: clinical testing. Allele origin: germline.
Comment: The SPTB c.5994G>A; p.Trp1998Ter variant, to our knowledge, is not reported in the medical literature but is reported in ClinVar (Variation ID: 1705960). This variant is also absent from the Genome Aggregation Database (v2.1.1), indicating it is not a common polymorphism. This variant induces an early termination codon and is predicted to result in a truncated protein or mRNA subject to nonsense-mediated decay. Based on available information, this variant is considered to be likely pathogenic.

Mayo Clinic Laboratories, Mayo Clinic
Classification: Likely pathogenic. Last evaluated: 2022-08-02. Review status: criteria provided, single submitter. Criteria: ACMG Guidelines, 2015. Collection method: clinical testing. Allele origin: germline. Observed: 3 variant alleles.
Comment: PVS1, PM2